The following is an entry in ClinVar:

NM_133379.5(TTN):c.16328T>C (p.Val5443Ala)

Gene: TTN (titin; minus strand). Cytogenetic location: 2q31.2.
Variant type: single nucleotide variant.
Coding change: c.16328T>C on transcript NM_133379.5; coding-DNA position 16328, T replaced by C.
Protein change: p.Val5443Ala; replaces valine 5443 with alanine.
Molecular consequence: missense variant. On other transcripts: intron variant (6).
Genome position (GRCh38, 1-based): chr2:178,746,072, A>G on the plus strand (T>C on the coding strand, the complement: TTN is on the minus strand). VCF-style: chr2-178746072-A-G. GRCh37 (hg19) VCF-style: chr2-179610799-A-G.
Other names: c.10223-4151T>C (NM_003319.4); c.10799-4151T>C (NM_133437.4); c.10598-4151T>C (NM_133432.3); c.10360+7052T>C (NM_133378.4); c.10361-4151T>C (NM_001256850.1); c.11312-4151T>C (NM_001267550.2); c.16328T>C (NM_133379.4); short protein forms V5443A.
Identifiers: ClinVar variation 47799 (VCV000047799.29), dbSNP rs145183384, ClinGen allele CA141928.

ClinVar aggregate classification (germline): Conflicting classifications of pathogenicity. Review status: criteria provided, conflicting classifications (1 of 4 stars). 11 submissions from 11 submitters: Uncertain significance (3); Likely benign (5). 3 of the submissions do not count toward it. Last evaluated 2026-09-01.

Conditions:
TTN-related myopathy. Identifiers: MedGen CN294812, MONDO:0100175.
TTN-related disorder. Also called: TTN-related disorders; TTN-related condition; TTN-related disease.

Allele frequency attached by ClinVar (database versions not stated): ExAC 0.00032; ESP Exome Variant Server 0.00038; gnomAD exomes 0.00035; gnomAD 0.00042 and 0.00045; 1000 Genomes Project 0.00020; 1000 Genomes Project 30x 0.00016; TOPMed 0.00030.
gnomAD v4.1: 684 of 1,613,446 alleles (0.042%); highest among the groups gnomAD compares: Non-Finnish European, 0.054%; no homozygotes.

Submissions (11):

CeGaT Center for Human Genetics Tuebingen
Classification: Likely benign. Last evaluated: 2026-09-01. Review status: criteria provided, single submitter. Criteria: CeGaT Center For Human Genetics Tuebingen Variant Classification Criteria Version 2. Collection method: clinical testing. Allele origin: germline. Affected: yes. Observed: 2 variant alleles.
Comment: TTN: BP4

PreventionGenetics, part of Exact Sciences
Classification: Likely benign for TTN-related condition. Last evaluated: 2025-07-31. Review status: criteria provided, single submitter. Criteria: ACMG Guidelines, 2015. Collection method: clinical testing. Allele origin: germline.
Comment: This variant is classified as likely benign based on ACMG/AMP sequence variant interpretation guidelines (Richards et al. 2015 PMID: 25741868, with internal and published modifications).

ARUP Laboratories, Molecular Genetics and Genomics, ARUP Laboratories
Classification: Uncertain significance. Last evaluated: 2025-03-03. Review status: criteria provided, single submitter. Criteria: ARUP Molecular Germline Variant Investigation Process 2024. Collection method: clinical testing. Allele origin: germline.
Comment: The TTN NM_133379.5: c.16328T>C p.Val5443Ala variant (rs145183384; ClinVar Variation ID: 47799) is rare in the general population (<0.2% allele frequency in the Genome Aggregation Database) and has not been reported in the medical literature in association with dilated cardiomyopathy (DCM) or other TTN-related disease. The clinical relevance of rare missense variants in this gene, which are identified on average once per individual sequenced in affected populations (Herman 2012), is not well understood. Yet, evidence suggests that the vast majority of such missense variants do not contribute to the clinical outcome of DCM (Begay 2015). Thus, the clinical significance of the p.Val5443Ala variant cannot be determined with certainty. References: Begay RL et al. Role of Titin Missense Variants in Dilated Cardiomyopathy. J Am Heart Assoc. 2015 Nov 13;4(11). PMID: 26567375. Herman DS et al. Truncations of titin causing dilated cardiomyopathy. N Engl J Med. 2012 Feb 16;366(7):619-28. PMID: 22335739. Linke WA and Hamdani N. Gigantic business: titin properties and function through thick and thin. Circ Res 2014; 114(6): 1052-1068. PMID: 24625729.

Blueprint Genetics
Classification: Likely benign. Last evaluated: 2024-09-03. Review status: criteria provided, single submitter. Criteria: ACMG Guidelines, 2015. Collection method: clinical testing. Allele origin: germline.

Victorian Clinical Genetics Services, Murdoch Childrens Research Institute
Classification: Uncertain significance for TTN-related myopathy. Last evaluated: 2022-02-02. Review status: criteria provided, single submitter. Criteria: ACMG Guidelines, 2015. Collection method: clinical testing. Allele origin: germline. Inheritance: Autosomal recessive inheritance. Affected: yes.
Comment: Based on the classification scheme VCGS_Germline_v1.3.4, this variant is classified as VUS-3C. Following criteria are met: 0102 - Loss of function is known mechanism of disease in this gene. In addition, dominant-negative is also a suggested mechanism as not all truncated transcripts in dilated cardiomyopathy (DCM) undergo nonsense mediated decay (PMID: 25589632). (I) 0108 - This gene is associated with both recessive and dominant disease (OMIM). (I) 0112 - The condition associated with this gene has incomplete penetrance. Protein truncating variants in this gene are known to have reduced penetrance in DCM (PMID: 25589632). (I) 0200 - Variant is predicted to result in a missense amino acid change from valine to alanine. (I) 0219 - This variant is non-coding in an alternative transcript. It is coding only in NM_133379.4, the novex-3 isoform, which is mainly expressed in sarcomeres, but also has been found in skeletal muscle (PMID: 11717165, 28510117) and it is noncoding in all other transcripts including the NM_133378.4, the predominant isoform in skeletal muscle (NCBI). (I) 0251 - This variant is heterozygous. (I) 0304 - Variant is present in gnomAD (v2) <0.01 for a recessive condition (100 heterozygotes, 0 homozygotes). (SP) 0503 - Missense variant consistently predicted to be tolerated by multiple in silico tools or not conserved in placental mammals with a minor amino acid change. (SB) 0604 - Variant is not located in an established domain, motif, hotspot or informative constraint region. (I) 0705 - No comparable missense variants have previous evidence for pathogenicity. (I) 0808 - Previous reports of pathogenicity for this variant are conflicting. It has been identified in an individual with Leigh syndrome, who also harboured many other variants including the p.(Val5443Ala) in the TTN gene, however phenotype was not regarded as a match (Lake, N.J. (2018)). In addition, it has been reported as a VUS (ClinVar) and likely benign (LOVD). (I) 0905 - No published segregation evidence has been identified for this variant. (I) 1007 - No published functional evidence has been identified for this variant. (I) 1208 - Inheritance information for this variant is not currently available in this individual. (I) Legend: (SP) - Supporting pathogenic, (I) - Information, (SB) - Supporting benign

Laboratory for Molecular Medicine, Mass General Brigham Personalized Medicine
Classification: Likely benign. Last evaluated: 2021-05-06. Review status: criteria provided, single submitter. Criteria: ACMG Guidelines, 2015. Collection method: clinical testing. Allele origin: germline.
Comment: The p.Val5443Ala variant in TTN is classified as likely benign because it has been identified in 0.065% (84/128194) of European chromosomes by gnomAD. It is also located in an exon that is not highly expressed in the heart and is only present in a transcript (Novex -3) whose function is unclear. ACMG/AMP Criteria applied: BP1, BS1.

GeneDx
Classification: Likely benign. Last evaluated: 2021-03-02. Review status: criteria provided, single submitter. Criteria: GeneDx Variant Classification Process June 2021. Collection method: clinical testing. Allele origin: germline. Affected: yes.

Eurofins Ntd Llc (ga)
Classification: Uncertain significance. Last evaluated: 2018-07-11. Review status: criteria provided, single submitter. Criteria: EGL ClinVar v180209 classification definitions. Collection method: clinical testing. Allele origin: germline. Observed: 3 variant alleles, 3 heterozygotes.

Clinical Genetics DNA and cytogenetics Diagnostics Lab, Erasmus MC, Erasmus Medical Center
Classification: Likely benign. Review status: no assertion criteria provided. Collection method: clinical testing. Allele origin: germline. Affected: yes. Study: VKGL Data-share Consensus. Not counted in ClinVar's aggregate classification.

Clinical Genetics, Academic Medical Center
Classification: Likely benign. Review status: no assertion criteria provided. Collection method: clinical testing. Allele origin: germline. Affected: yes. Study: VKGL Data-share Consensus. Not counted in ClinVar's aggregate classification.

Genome Diagnostics Laboratory, University Medical Center Utrecht
Classification: Likely benign. Review status: no assertion criteria provided. Collection method: clinical testing. Allele origin: germline. Affected: yes. Study: VKGL Data-share Consensus. Not counted in ClinVar's aggregate classification.

Literature cited by the submitters: PubMed 11717165 (cited by Victorian Clinical Genetics Services, Murdoch Childrens Research Institute); PubMed 25589632 (cited by Victorian Clinical Genetics Services, Murdoch Childrens Research Institute); PubMed 28510117 (cited by Victorian Clinical Genetics Services, Murdoch Childrens Research Institute).